The following is an entry in ClinVar:

ClinVar aggregate classification (germline): Pathogenic (1 of 4 stars; one submission).

Submission:

Labcorp Genetics (formerly Invitae), Labcorp
Classification: Pathogenic. Last evaluated: 2025-02-15. Review status: criteria provided, single submitter. Criteria: Invitae Variant Classification Sherloc (09022015). Collection method: clinical testing. Allele origin: germline.
Comment: This sequence change creates a premature translational stop signal (p.Met1840Aspfs*25) in the NBAS gene. It is expected to result in an absent or disrupted protein product. Loss-of-function variants in NBAS are known to be pathogenic (PMID: 26073778, 26541327, 27789416, 28031453). This variant is not present in population databases (gnomAD no frequency). This variant has not been reported in the literature in individuals affected with NBAS-related conditions. For these reasons, this variant has been classified as Pathogenic.

Literature cited by the submitters: PubMed 26073778; PubMed 26541327; PubMed 27789416; PubMed 28031453.

NM_015909.4(NBAS):c.5517dup (p.Met1840fs)

Gene: NBAS (NBAS subunit of NRZ tethering complex; minus strand). Cytogenetic location: 2p24.3.
Variant type: Duplication.
Coding change: c.5517dup on transcript NM_015909.4 (MANE Select); coding-DNA position 5517, one base duplicated (G; older notation c.5517dupG).
Protein change: p.Met1840fs; shifts the reading frame from methionine 1840.
Molecular consequence: frameshift variant. On other transcripts: non-coding transcript variant (1).
Genome position (GRCh38, 1-based): chr2:15,275,691, C duplicated on the plus strand (G on the coding strand, the reverse complement: NBAS is on the minus strand). VCF-style (leftmost placement, unchanged base first): chr2-15275690-T-TC. GRCh37 (hg19) VCF-style: chr2-15415814-T-TC.
Other names: short protein forms M1840fs.
Identifiers: ClinVar variation 4713136 (VCV004713136.1).